The following is an entry in ClinVar:

NM_005660.3(SLC35A2):c.923C>T (p.Ser308Phe)

Gene: SLC35A2 (solute carrier family 35 member A2; minus strand). Cytogenetic location: Xp11.23.
Variant type: single nucleotide variant.
Coding change: c.923C>T on transcript NM_005660.3 (MANE Select); coding-DNA position 923, C replaced by T.
Protein change: p.Ser308Phe; replaces serine 308 with phenylalanine.
Molecular consequence: missense variant. On other transcripts: intron variant (3).
Genome position (GRCh38, 1-based): chrX:48,904,986, G>A on the plus strand (C>T on the coding strand, the complement: SLC35A2 is on the minus strand). VCF-style: chrX-48904986-G-A. GRCh37 (hg19) VCF-style: chrX-48762263-G-A.
Other names: c.923C>T, p.Ser308Phe (NM_001042498.3); c.740C>T, p.Ser247Phe (NM_001282649.2); c.962C>T, p.Ser321Phe (NM_001282650.2); c.1007C>T, p.Ser336Phe (NM_001282651.2); c.427-94C>T (NM_001282647.2, NM_001032289.3); c.355-94C>T (NM_001282648.2); short protein forms S336F, S247F, S308F, S321F.
Identifiers: ClinVar variation 2907575 (VCV002907575.4), dbSNP rs2519644564, ClinGen allele CA412894810.

ClinVar aggregate classification (germline): Pathogenic. Review status: criteria provided, single submitter (1 of 4 stars). 2 submissions from 2 submitters: Pathogenic (1). 1 of the submissions does not count toward it. Last evaluated 2023-08-10.

Conditions:
SLC35A2-congenital disorder of glycosylation. Also called: DEVELOPMENTAL AND EPILEPTIC ENCEPHALOPATHY 22; CONGENITAL DISORDER OF GLYCOSYLATION, TYPE IIm; CDG IIm; SLC35A2-CDG; EPILEPTIC ENCEPHALOPATHY, EARLY INFANTILE, 22; CONGENITAL DISORDER OF GLYCOSYLATION, TYPE IIm, SOMATIC MOSAIC. Identifiers: Orphanet 356961, MedGen C3806688, MONDO:0010478, OMIM 300896.

Submissions (2):

Labcorp Genetics (formerly Invitae), Labcorp
Classification: Pathogenic for SLC35A2-congenital disorder of glycosylation. Last evaluated: 2023-08-10. Review status: criteria provided, single submitter. Criteria: Invitae Variant Classification Sherloc (09022015). Collection method: clinical testing. Allele origin: germline.
Comment: This missense change has been observed in individual(s) with congenital disorder of glycosylation (PMID: 30746764, 34161696). In at least one individual the variant was observed to be de novo. This sequence change replaces serine, which is neutral and polar, with phenylalanine, which is neutral and non-polar, at codon 308 of the SLC35A2 protein (p.Ser308Phe). This variant is not present in population databases (gnomAD no frequency). Advanced modeling of protein sequence and biophysical properties (such as structural, functional, and spatial information, amino acid conservation, physicochemical variation, residue mobility, and thermodynamic stability) has been performed at Invitae for this missense variant, however the output from this modeling did not meet the statistical confidence thresholds required to predict the impact of this variant on SLC35A2 protein function. For these reasons, this variant has been classified as Pathogenic.

OMIM
Classification: Pathogenic for CONGENITAL DISORDER OF GLYCOSYLATION, TYPE IIm. Last evaluated: 2024-03-01. Review status: no assertion criteria provided. Collection method: literature only. Allele origin: germline. Not counted in ClinVar's aggregate classification.

Literature cited by the submitters: PubMed 30746764 (cited by Labcorp Genetics (formerly Invitae), Labcorp); PubMed 34161696 (cited by Labcorp Genetics (formerly Invitae), Labcorp and OMIM).